The following is an entry in ClinVar:

ClinVar aggregate classification (germline): Benign (1 of 4 stars; one submission).

Conditions:
MELAS syndrome (MELAS). Also called: Juvenile myopathy, encephalopathy, lactic acidosis, stroke. Identifiers: Orphanet 550, MedGen C0162671, MONDO:0010789, OMIM 540000.

Submission:

Wong Mito Lab, Molecular and Human Genetics, Baylor College of Medicine
Classification: Benign for MELAS syndrome. Last evaluated: 2019-07-12. Review status: criteria provided, single submitter. Criteria: Modified ACMG Guidelines (Unpublished). Collection method: clinical testing. Allele origin: germline.
Comment: The NC_012920.1:m.593T>C variant in MT-TF gene is interpreted to be a Benign variant based on the modified ACMG guidelines (unpublished). This variant meets the following evidence codes reported in the guidelines: BS1, BS4, BP4

Literature cited by the submitters: PubMed 31965079.

NC_012920.1(MT-TF):m.593T>C

Gene: MT-TF (mitochondrially encoded tRNA phenylalanine; plus strand).
Variant type: single nucleotide variant.
Genome position: chrM-593-T-C.
Identifiers: ClinVar variation 689809 (VCV000689809.1), dbSNP rs879123694, ClinGen allele CA337095915.